The following is an entry in ClinVar:

NM_000187.4(HGD):c.702T>G (p.Tyr234Ter)

Gene: HGD (homogentisate 1,2-dioxygenase; minus strand). Cytogenetic location: 3q13.33.
Variant type: single nucleotide variant.
Coding change: c.702T>G on transcript NM_000187.4 (MANE Select); coding-DNA position 702, T replaced by G.
Protein change: p.Tyr234Ter; replaces tyrosine 234 with a stop codon.
Molecular consequence: nonsense.
Genome position (GRCh38, 1-based): chr3:120,644,391, A>C on the plus strand (T>G on the coding strand, the complement: HGD is on the minus strand). VCF-style: chr3-120644391-A-C. GRCh37 (hg19) VCF-style: chr3-120363238-A-C.
Other names: short protein forms Y234*.
Identifiers: ClinVar variation 2802089 (VCV002802089.3), dbSNP rs771518151, ClinGen allele CA354075286.
Genomic context (GRCh38, chr3:120,644,391, plus strand): 5'-AAACAGCTTGCCCTGGTATTTATTAATGACCGTGTAACCACCTGGTACTTGGCGATCCTC[A>C]TACCAGGCAATGGGTATCAAGAAATCACGAGGATTGGCCAAGCCATTGGCCCCTAGAAAA-3'

ClinVar aggregate classification (germline): Pathogenic (1 of 4 stars; one submission).

Conditions:
Alkaptonuria (AKU). Also called: Homogentisic acidura; Alkaptonuric ochronosis; HOMOGENTISIC ACID OXIDASE DEFICIENCY; Alcaptonuria. Identifiers: Orphanet 56, MedGen C0002066, MONDO:0008753, OMIM 203500.

Submission:

Labcorp Genetics (formerly Invitae), Labcorp
Classification: Pathogenic for Alkaptonuria. Last evaluated: 2023-11-07. Review status: criteria provided, single submitter. Criteria: Invitae Variant Classification Sherloc (09022015). Collection method: clinical testing. Allele origin: germline.
Comment: This sequence change creates a premature translational stop signal (p.Tyr234*) in the HGD gene. It is expected to result in an absent or disrupted protein product. Loss-of-function variants in HGD are known to be pathogenic (PMID: 12501223, 19862842). This variant is not present in population databases (gnomAD no frequency). This variant has not been reported in the literature in individuals affected with HGD-related conditions. For these reasons, this variant has been classified as Pathogenic.

Literature cited by the submitters: PubMed 12501223; PubMed 19862842.